The following is an entry in ClinVar:

ClinVar aggregate classification (germline): Uncertain significance (1 of 4 stars; one submission).

Conditions:
Congenital myotonia, autosomal dominant form (THD). Also called: THOMSEN DISEASE; Myotonia congenita autosomal dominant. Identifiers: Orphanet 614, MedGen C2936781, MONDO:0008055, OMIM 160800.
Congenital myotonia, autosomal recessive form. Also called: BECKER DISEASE; Becker Generalized Myotonia; myotonia congenita, autosomal recessive. Identifiers: Orphanet 614, MedGen C0751360, MONDO:0009715, OMIM 255700.

gnomAD v4.1: 2 of 1,613,742 alleles (0.00012%); highest among the groups gnomAD compares: African/African-American, 0.0013%; no homozygotes.

Submission:

Labcorp Genetics (formerly Invitae), Labcorp
Classification: Uncertain significance for Congenital myotonia, autosomal recessive form; Congenital myotonia, autosomal dominant form. Last evaluated: 2022-02-03. Review status: criteria provided, single submitter. Criteria: Invitae Variant Classification Sherloc (09022015). Collection method: clinical testing. Allele origin: germline.
Comment: In summary, the available evidence is currently insufficient to determine the role of this variant in disease. Therefore, it has been classified as a Variant of Uncertain Significance. Advanced modeling of protein sequence and biophysical properties (such as structural, functional, and spatial information, amino acid conservation, physicochemical variation, residue mobility, and thermodynamic stability) performed at Invitae indicates that this missense variant is not expected to disrupt CLCN1 protein function. ClinVar contains an entry for this variant (Variation ID: 582403). This variant has not been reported in the literature in individuals affected with CLCN1-related conditions. This variant is not present in population databases (gnomAD no frequency). This sequence change replaces glycine, which is neutral and non-polar, with alanine, which is neutral and non-polar, at codon 11 of the CLCN1 protein (p.Gly11Ala).

NM_000083.3(CLCN1):c.32G>C (p.Gly11Ala)

Gene: CLCN1 (chloride voltage-gated channel 1; plus strand). Cytogenetic location: 7q34.
Variant type: single nucleotide variant.
Coding change: c.32G>C on transcript NM_000083.3 (MANE Select); coding-DNA position 32, G replaced by C.
Protein change: p.Gly11Ala; replaces glycine 11 with alanine.
Molecular consequence: missense variant. On other transcripts: non-coding transcript variant (1).
Genome position (GRCh38, 1-based): chr7:143,316,244, G>C. VCF-style: chr7-143316244-G-C. GRCh37 (hg19) VCF-style: chr7-143013337-G-C.
Other names: short protein forms G11A.
Identifiers: ClinVar variation 582403 (VCV000582403.8), dbSNP rs1563071875, ClinGen allele CA369676500.
Genomic context (GRCh38, chr7:143,316,244, plus strand): 5'-GGCCTGGCCGGGGCTCGGGGGGAGGGAATATGGAGCAATCCCGGTCACAGCAGCGTGGGG[G>C]TGAACAAAGCTGGTGGGGTAGTGACCCCCAGTACCAGTATATGCCCTTTGAACACTGCAC-3'
Protein context (NP_000074.3, residues 1-21): MEQSRSQQRG[Gly11Ala]EQSWWGSDPQ